The following is an entry in ClinVar:

ClinVar aggregate classification (germline): Uncertain significance. Review status: criteria provided, multiple submitters, no conflicts (2 of 4 stars). 2 submissions from 2 submitters: Uncertain significance (2). Last evaluated 2025-12-18.

Conditions:
Hereditary cancer-predisposing syndrome. Also called: Tumor predisposition; Neoplastic Syndromes, Hereditary; Hereditary Cancer Syndrome; Hereditary neoplastic syndrome. Identifiers: Orphanet 140162, MedGen C0027672, MeSH D009386, MONDO:0015356.
Familial cancer of breast. Also called: Hereditary breast cancer; BREAST CANCER, FAMILIAL; hereditary breast carcinoma. Identifiers: Orphanet 227535, MedGen C0346153, MONDO:0016419, OMIM 114480. Disease mechanism: loss of function.

Submissions (2):

Ambry Genetics
Classification: Uncertain significance for Hereditary cancer-predisposing syndrome. Last evaluated: 2025-12-18. Review status: criteria provided, single submitter. Criteria: Ambry Variant Classification Scheme 2023. Collection method: clinical testing. Allele origin: germline.
Comment: The p.I2899V variant (also known as c.8695A>G), located in coding exon 59 of the ATM gene, results from an A to G substitution at nucleotide position 8695. The isoleucine at codon 2899 is replaced by valine, an amino acid with highly similar properties. In an assay testing ATM function, this variant showed a functionally abnormal result (Lee KS et al. Cell, 2025 Sep;188:5081-5099.e27). This amino acid position is highly conserved in available vertebrate species. In addition, this alteration is predicted to be tolerated by in silico analysis. Based on the available evidence, the clinical significance of this variant remains unclear.

Baylor Genetics
Classification: Uncertain significance for Familial cancer of breast. Last evaluated: 2023-11-08. Review status: criteria provided, single submitter. Criteria: ACMG Guidelines, 2015. Collection method: clinical testing. Allele origin: unknown.

Literature cited by the submitters: PubMed 40580951 (cited by Ambry Genetics).

NM_000051.4(ATM):c.8695A>G (p.Ile2899Val)

Genes: ATM (ATM serine/threonine kinase; plus strand), C11orf65 (chromosome 11 open reading frame 65; minus strand). Cytogenetic location: 11q22.3.
Variant type: single nucleotide variant.
Coding change: c.8695A>G on transcript NM_000051.4 (MANE Select); coding-DNA position 8695, A replaced by G.
Protein change: p.Ile2899Val; replaces isoleucine 2899 with valine.
Molecular consequence: missense variant. On other transcripts: intron variant (2).
Genome position (GRCh38, 1-based): chr11:108,353,789, A>G. VCF-style: chr11-108353789-A-G. GRCh37 (hg19) VCF-style: chr11-108224516-A-G.
Other names: c.8695A>G, p.Ile2899Val (NM_001351834.2); c.640+32131T>C (NM_001330368.2); c.695-18497T>C (NM_001351110.2); short protein forms I2899V.
Identifiers: ClinVar variation 822665 (VCV000822665.8), dbSNP rs1591306598, ClinGen allele CA382523659.